The following is an entry in ClinVar:

NM_004563.4(PCK2):c.1885G>A (p.Glu629Lys)

Genes: NRL (neural retina leucine zipper; minus strand), PCK2 (phosphoenolpyruvate carboxykinase 2, mitochondrial; plus strand). Cytogenetic location: 14q12.
Variant type: single nucleotide variant.
Coding change: c.1885G>A on transcript NM_004563.4 (MANE Select); coding-DNA position 1885, G replaced by A.
Protein change: p.Glu629Lys; replaces glutamic acid 629 with lysine.
Molecular consequence: missense variant. On other transcripts: intron variant (3).
Genome position (GRCh38, 1-based): chr14:24,103,926, G>A. VCF-style: chr14-24103926-G-A. GRCh37 (hg19) VCF-style: chr14-24573135-G-A.
Other names: p.Glu629Lys; c.1483G>A, p.Glu495Lys (NM_001291556.2, NM_001308054.2); c.-28+10796C>T (NM_001354768.3, NM_001354770.2); c.-254+10796C>T (NM_006177.5); short protein forms E629K, E495K.
Identifiers: ClinVar variation 2042924 (VCV002042924.5), dbSNP rs144940239, ClinGen allele CA7123659.

ClinVar aggregate classification (germline): Likely benign. Review status: criteria provided, multiple submitters, no conflicts (2 of 4 stars). 2 submissions from 2 submitters: Likely benign (2). Last evaluated 2025-12-16.

Allele frequency attached by ClinVar (database versions not stated): 1000 Genomes Project 30x 0.00109; TOPMed 0.00118; 1000 Genomes Project 0.00120; gnomAD exomes 0.00009; ExAC 0.00032; ESP Exome Variant Server 0.00085; gnomAD 0.00101.
gnomAD v4.1: 305 of 1,614,092 alleles (0.019%); highest among the groups gnomAD compares: African/African-American, 0.33%; 1 homozygote.

Submissions (2):

Labcorp Genetics (formerly Invitae), Labcorp
Classification: Likely benign. Last evaluated: 2025-12-16. Review status: criteria provided, single submitter. Criteria: Invitae Variant Classification Sherloc (09022015). Collection method: clinical testing. Allele origin: germline.

Mayo Clinic Laboratories, Mayo Clinic
Classification: Likely benign. Last evaluated: 2025-04-09. Review status: criteria provided, single submitter. Criteria: ACMG Guidelines, 2015. Collection method: clinical testing. Allele origin: germline. Observed: 1 variant allele.
Comment: BP4, PM2_supporting